The following is an entry in ClinVar:

NM_000368.5(TSC1):c.1220T>G (p.Val407Gly)

Gene: TSC1 (TSC complex subunit 1; minus strand). Cytogenetic location: 9q34.13.
Variant type: single nucleotide variant.
Coding change: c.1220T>G on transcript NM_000368.5 (MANE Select); coding-DNA position 1220, T replaced by G.
Protein change: p.Val407Gly; replaces valine 407 with glycine.
Molecular consequence: missense variant. On other transcripts: non-coding transcript variant (5).
Genome position (GRCh38, 1-based): chr9:132,910,614, A>C on the plus strand (T>G on the coding strand, the complement: TSC1 is on the minus strand). VCF-style: chr9-132910614-A-C. GRCh37 (hg19) VCF-style: chr9-135786001-A-C.
Other names: c.1220T>G, p.Val407Gly (NM_001406595.1, NM_001406596.1, NM_001406601.1 and 7 more transcripts); c.1217T>G, p.Val406Gly (NM_001406597.1, NM_001406598.1, NM_001406599.1 and 6 more transcripts); c.857T>G, p.Val286Gly (NM_001406614.1, NM_001406615.1, NM_001406616.1 and 5 more transcripts); c.854T>G, p.Val285Gly (NM_001406620.1, NM_001406621.1, NM_001406622.1 and 2 more transcripts); c.1067T>G, p.Val356Gly (NM_001162427.2, NM_001406610.1); c.1064T>G, p.Val355Gly (NM_001406611.1, NM_001406612.1, NM_001406613.1); c.269T>G, p.Val90Gly (NM_001406626.1); c.266T>G, p.Val89Gly (NM_001406627.1, NM_001406628.1); and 1 more; short protein forms V56G, V90G, V356G, V406G, V355G, V89G, V285G, V286G.
Identifiers: ClinVar variation 4697447 (VCV004697447.2).
Genomic context (GRCh38, chr9:132,910,614, plus strand): 5'-GACGAGCTGGATCGCACCTTCCTGGGGGGTGTGACTGTGGCCTGGGGGAGTGAAATGTGC[A>C]CGTAGTCATCCGAATGACAGAGTGGGGCTGGAGGAGGAGAGGTTGCTGGGGTTCCCAGAG-3'
Protein context (NP_000359.1, residues 397-417): PAPLCHSDDY[Val407Gly]HISLPQATVT

ClinVar aggregate classification (germline): Uncertain significance. Review status: criteria provided, multiple submitters, no conflicts (2 of 4 stars). 2 submissions from 2 submitters: Uncertain significance (2). Last evaluated 2026-05-16.

Conditions:
Tuberous sclerosis 1 (TSC1). Identifiers: Orphanet 805, MedGen C1854465, MONDO:0008612, OMIM 191100.
Hereditary cancer-predisposing syndrome. Also called: Neoplastic Syndromes, Hereditary; Tumor predisposition; Hereditary Cancer Syndrome; Hereditary neoplastic syndrome. Identifiers: Orphanet 140162, MedGen C0027672, MeSH D009386, MONDO:0015356.

Submissions (2):

Ambry Genetics
Classification: Uncertain significance for Hereditary cancer-predisposing syndrome. Last evaluated: 2026-05-16. Review status: criteria provided, single submitter. Criteria: Ambry Variant Classification Scheme 2023. Collection method: clinical testing. Allele origin: germline.
Comment: The p.V407G variant (also known as c.1220T>G), located in coding exon 10 of the TSC1 gene, results from a T to G substitution at nucleotide position 1220. The valine at codon 407 is replaced by glycine, an amino acid with dissimilar properties. This amino acid position is conserved. In addition, the in silico prediction for this alteration is inconclusive. Based on the available evidence, the clinical significance of this variant remains unclear.

Labcorp Genetics (formerly Invitae), Labcorp
Classification: Uncertain significance for Tuberous sclerosis 1. Last evaluated: 2025-12-30. Review status: criteria provided, single submitter. Criteria: Invitae Variant Classification Sherloc (09022015). Collection method: clinical testing. Allele origin: germline.
Comment: This sequence change replaces valine, which is neutral and non-polar, with glycine, which is neutral and non-polar, at codon 407 of the TSC1 protein (p.Val407Gly). This variant is not present in population databases (gnomAD no frequency). This variant has not been reported in the literature in individuals affected with TSC1-related conditions. Invitae Evidence Modeling of protein sequence and biophysical properties (such as structural, functional, and spatial information, amino acid conservation, physicochemical variation, residue mobility, and thermodynamic stability) indicates that this missense variant is not expected to disrupt TSC1 protein function with a negative predictive value of 95%. In summary, the available evidence is currently insufficient to determine the role of this variant in disease. Therefore, it has been classified as a Variant of Uncertain Significance.